The following is an entry in ClinVar:

ClinVar aggregate classification (germline): Benign/Likely benign. Review status: criteria provided, multiple submitters, no conflicts (2 of 4 stars). 27 submissions from 20 submitters: Benign (19); Likely benign (3). 5 of the submissions do not count toward it. Last evaluated 2026-02-03.

Conditions:
Cardiovascular phenotype. Identifiers: MedGen CN230736.
Dilated cardiomyopathy 1G (CMD1G). Identifiers: Orphanet 154, MedGen C1858763, MONDO:0011400, OMIM 604145.
Autosomal recessive limb-girdle muscular dystrophy type 2J (LGMDR10). Also called: Limb-girdle muscular dystrophy, type 2J; MUSCULAR DYSTROPHY, LIMB-GIRDLE, AUTOSOMAL RECESSIVE 10. Identifiers: Orphanet 140922, MedGen C1837342, MONDO:0012127, OMIM 608807.
Hypertrophic cardiomyopathy 9. Also called: Familial hypertrophic cardiomyopathy 9. Identifiers: MedGen C1861065, MONDO:0013412, OMIM 613765.
Tibial muscular dystrophy (TMD). Also called: Tibial muscular dystrophy, tardive; UDD MYOPATHY; Udd Distal Myopathy – Tibial Muscular Dystrophy. Identifiers: Orphanet 609, MedGen C1838244, MONDO:0010870, OMIM 600334.
Myopathy, myofibrillar, 9, with early respiratory failure (MFM9). Also called: MYOPATHY, PROXIMAL, WITH EARLY RESPIRATORY MUSCLE INVOLVEMENT; Myopathy, distal, with early respiratory failure, autosomal dominant; Hereditary myopathy with early respiratory failure; EDSTROM MYOPATHY. Identifiers: Orphanet 178464, Orphanet 34521, MedGen C1863599, MONDO:0011362, OMIM 603689.
Early-onset myopathy with fatal cardiomyopathy (CMYO5). Also called: CONGENITAL MYOPATHY 5 WITH CARDIOMYOPATHY; Salih Myopathy. Identifiers: Orphanet 289377, MedGen C2673677, MONDO:0012714, OMIM 611705. Disease mechanism: loss of function.
Cardiomyopathy (CMYO). Also called: Cardiomyopathies. Identifiers: Orphanet 167848, MedGen C0878544, MONDO:0004994, HP:0001638. Inheritance: Various modes of inheritance.

Allele frequency attached by ClinVar (database versions not stated): gnomAD exomes 0.00150 and 0.00404; ExAC 0.00499; gnomAD 0.01440 and 0.01559; 1000 Genomes Project 0.01478; 1000 Genomes Project 30x 0.01546; TOPMed 0.01677; ESP Exome Variant Server 0.01776.
gnomAD v4.1: 4,514 of 1,613,896 alleles (0.28%); highest among the groups gnomAD compares: African/African-American, 5.1%; 108 homozygotes.

Submissions (27):

Labcorp Genetics (formerly Invitae), Labcorp
Classification: Benign for Dilated cardiomyopathy 1G; Autosomal recessive limb-girdle muscular dystrophy type 2J. Last evaluated: 2026-02-03. Review status: criteria provided, single submitter. Criteria: Invitae Variant Classification Sherloc (09022015). Collection method: clinical testing. Allele origin: germline.

ARUP Laboratories, Molecular Genetics and Genomics, ARUP Laboratories
Classification: Benign. Last evaluated: 2025-05-14. Review status: criteria provided, single submitter. Criteria: ARUP Molecular Germline Variant Investigation Process 2024. Collection method: clinical testing. Allele origin: germline.

Molecular Diagnostic Laboratory for Inherited Cardiovascular Disease, Montreal Heart Institute
Classification: Benign. Last evaluated: 2025-04-09. Review status: criteria provided, single submitter. Criteria: ACMG Guidelines, 2015. Collection method: clinical testing. Allele origin: germline. Affected: no.

Athena Diagnostics
Classification: Benign. Last evaluated: 2025-03-13. Review status: criteria provided, single submitter. Criteria: Athena Diagnostics Criteria. Collection method: clinical testing. Allele origin: unknown.
Comment: The frequency of this variant in the general population is higher than would generally be expected for pathogenic variants in this gene.

Fulgent Genetics
Classification: Benign for Tibial muscular dystrophy; Myopathy, myofibrillar, 9, with early respiratory failure; Dilated cardiomyopathy 1G; Autosomal recessive limb-girdle muscular dystrophy type 2J; Early-onset myopathy with fatal cardiomyopathy; Hypertrophic cardiomyopathy 9. Last evaluated: 2021-10-25. Review status: criteria provided, single submitter. Criteria: ACMG Guidelines, 2015. Collection method: clinical testing. Allele origin: unknown.

Genome-Nilou Lab
Classification: Benign for Autosomal recessive limb-girdle muscular dystrophy type 2J. Last evaluated: 2021-09-10. Review status: criteria provided, single submitter. Criteria: ACMG Guidelines, 2015. Collection method: clinical testing. Allele origin: germline. Affected: no.

Genome-Nilou Lab
Classification: Benign for Myopathy, myofibrillar, 9, with early respiratory failure. Last evaluated: 2021-09-10. Review status: criteria provided, single submitter. Criteria: ACMG Guidelines, 2015. Collection method: clinical testing. Allele origin: germline. Affected: no.

Genome-Nilou Lab
Classification: Benign for Early-onset myopathy with fatal cardiomyopathy. Last evaluated: 2021-09-10. Review status: criteria provided, single submitter. Criteria: ACMG Guidelines, 2015. Collection method: clinical testing. Allele origin: germline. Affected: no.

Genome-Nilou Lab
Classification: Benign for Tibial muscular dystrophy. Last evaluated: 2021-09-10. Review status: criteria provided, single submitter. Criteria: ACMG Guidelines, 2015. Collection method: clinical testing. Allele origin: germline. Affected: no.

Women's Health and Genetics/Laboratory Corporation of America, LabCorp
Classification: Likely benign. Last evaluated: 2020-04-12. Review status: criteria provided, single submitter. Criteria: LabCorp Variant Classification Summary - May 2015. Collection method: clinical testing. Allele origin: germline.

Mayo Clinic Laboratories, Mayo Clinic
Classification: Benign. Last evaluated: 2019-03-06. Review status: criteria provided, single submitter. Criteria: ACMG Guidelines, 2015. Collection method: clinical testing. Allele origin: germline. Observed: 30 variant alleles.

Illumina Laboratory Services, Illumina
Classification: Benign for Autosomal recessive limb-girdle muscular dystrophy type 2J. Last evaluated: 2018-01-13. Review status: criteria provided, single submitter. Criteria: ICSL Variant Classification Criteria 13 December 2019. Collection method: clinical testing. Allele origin: germline.
Comment: This variant was observed in the ICSL laboratory as part of a predisposition screen in an ostensibly healthy population. It had not been previously curated by ICSL or reported in the Human Gene Mutation Database (HGMD: prior to June 1st, 2018), and was therefore a candidate for classification through an automated scoring system. Utilizing variant allele frequency, disease prevalence and penetrance estimates, and inheritance mode, an automated score was calculated to assess if this variant is too frequent to cause the disease. Based on the score and internal cut-off values, a variant classified as benign is not then subjected to further curation. The score for this variant resulted in a classification of benign for this disease.

Illumina Laboratory Services, Illumina
Classification: Benign for Tibial muscular dystrophy. Last evaluated: 2018-01-13. Review status: criteria provided, single submitter. Criteria: ICSL Variant Classification Criteria 13 December 2019. Collection method: clinical testing. Allele origin: germline.
Comment: the same text as in the submission from Illumina Laboratory Services, Illumina above.

Illumina Laboratory Services, Illumina
Classification: Likely benign for Dilated cardiomyopathy 1G. Last evaluated: 2018-01-13. Review status: criteria provided, single submitter. Criteria: ICSL Variant Classification Criteria 13 December 2019. Collection method: clinical testing. Allele origin: germline.
Comment: This variant was observed in the ICSL laboratory as part of a predisposition screen in an ostensibly healthy population. It had not been previously curated by ICSL or reported in the Human Gene Mutation Database (HGMD: prior to June 1st, 2018), and was therefore a candidate for classification through an automated scoring system. Utilizing variant allele frequency, disease prevalence and penetrance estimates, and inheritance mode, an automated score was calculated to assess if this variant is too frequent to cause the disease. Based on the score and internal cut-off values, a variant classified as likely benign is not then subjected to further curation. The score for this variant resulted in a classification of likely benign for this disease.

Illumina Laboratory Services, Illumina
Classification: Benign for Myopathy, myofibrillar, 9, with early respiratory failure. Last evaluated: 2018-01-13. Review status: criteria provided, single submitter. Criteria: ICSL Variant Classification Criteria 13 December 2019. Collection method: clinical testing. Allele origin: germline.
Comment: the same text as in the submission from Illumina Laboratory Services, Illumina above.

Illumina Laboratory Services, Illumina
Classification: Benign for Early-onset myopathy with fatal cardiomyopathy. Last evaluated: 2018-01-13. Review status: criteria provided, single submitter. Criteria: ICSL Variant Classification Criteria 13 December 2019. Collection method: clinical testing. Allele origin: germline.
Comment: the same text as in the submission from Illumina Laboratory Services, Illumina above.

CHEO Genetics Diagnostic Laboratory, Children's Hospital of Eastern Ontario
Classification: Benign for Cardiomyopathy. Last evaluated: 2015-11-05. Review status: criteria provided, single submitter. Criteria: ACMG Guidelines, 2015. Collection method: clinical testing. Allele origin: germline. Study: Canadian Open Genetics Repository.

GeneDx
Classification: Benign. Last evaluated: 2014-02-17. Review status: criteria provided, single submitter. Criteria: GeneDx Variant Classification (06012015). Collection method: clinical testing. Allele origin: germline. Affected: yes.
Comment: This variant is considered likely benign or benign based on one or more of the following criteria: it is a conservative change, it occurs at a poorly conserved position in the protein, it is predicted to be benign by multiple in silico algorithms, and/or has population frequency not consistent with disease.

Biesecker Lab/Clinical Genomics Section, National Institutes of Health
Classification: Benign. Last evaluated: 2013-06-24. Review status: criteria provided, single submitter. Criteria: Ng et al. (Circ Cardiovasc Genet. 2013). Collection method: research. Allele origin: unknown. Observed: 4 variant alleles. Study: ClinSeq.
Comment: The study set was not selected for affection status in relation to any cancer. Pathogenicity categories were based on literature curation. See Pubmed ID:23861362 for details.

Medical sequencing

Ambry Genetics
Classification: Benign for Cardiovascular phenotype. Last evaluated: 2013-02-26. Review status: criteria provided, single submitter. Criteria: Ambry Autosomal Dominant and X-Linked criteria (10/2015). Collection method: clinical testing. Allele origin: germline. Observed: 1 variant allele.

Laboratory for Molecular Medicine, Mass General Brigham Personalized Medicine
Classification: Benign. Last evaluated: 2012-04-25. Review status: criteria provided, single submitter. Criteria: LMM Criteria. Collection method: clinical testing. Allele origin: germline. Observed: 34 variant alleles.

Breakthrough Genomics
Classification: Likely benign. Review status: criteria provided, single submitter. Criteria: ACMG Guidelines, 2015. Collection method: not provided. Allele origin: germline. Inheritance: Autosomal recessive inheritance. Affected: yes.

Clinical Genetics DNA and cytogenetics Diagnostics Lab, Erasmus MC, Erasmus Medical Center
Classification: Benign. Review status: no assertion criteria provided. Collection method: clinical testing. Allele origin: germline. Affected: yes. Study: VKGL Data-share Consensus. Not counted in ClinVar's aggregate classification.

Clinical Genetics, Academic Medical Center
Classification: Benign. Review status: no assertion criteria provided. Collection method: clinical testing. Allele origin: germline. Affected: yes. Study: VKGL Data-share Consensus. Not counted in ClinVar's aggregate classification.

Genetic Services Laboratory, University of Chicago
Classification: Likely benign for AllHighlyPenetrant. Review status: no assertion criteria provided. Collection method: clinical testing. Allele origin: germline. Not counted in ClinVar's aggregate classification.
Comment: Likely benign based on allele frequency in 1000 Genomes Project or ESP global frequency and its presence in a patient with a rare or unrelated disease phenotype. NOT Sanger confirmed.

Genome Diagnostics Laboratory, University Medical Center Utrecht
Classification: Benign. Review status: no assertion criteria provided. Collection method: clinical testing. Allele origin: germline. Affected: yes. Study: VKGL Data-share Consensus. Not counted in ClinVar's aggregate classification.

Laboratory of Diagnostic Genome Analysis, Leiden University Medical Center (LUMC)
Classification: Likely benign. Review status: no assertion criteria provided. Collection method: clinical testing. Allele origin: germline. Affected: yes. Study: VKGL Data-share Consensus. Not counted in ClinVar's aggregate classification.

NM_001267550.2(TTN):c.4246C>T (p.Arg1416Cys)

Genes: TTN (titin; minus strand), LOC101927055 (uncharacterized LOC101927055; plus strand). Cytogenetic location: 2q31.2.
Variant type: single nucleotide variant.
Coding change: c.4246C>T on transcript NM_001267550.2 (MANE Select); coding-DNA position 4246, C replaced by T.
Protein change: p.Arg1416Cys; replaces arginine 1416 with cysteine.
Molecular consequence: missense variant. On other transcripts: non-coding transcript variant (1).
Genome position (GRCh38, 1-based): chr2:178,777,938, G>A on the plus strand (C>T on the coding strand, the complement: TTN is on the minus strand). VCF-style: chr2-178777938-G-A. GRCh37 (hg19) VCF-style: chr2-179642665-G-A.
Other names: p.R1416C:CGC>TGC; c.4246C>T, p.Arg1416Cys (NM_001256850.1, NM_133378.4, NM_133379.5); c.4108C>T, p.Arg1370Cys (NM_003319.4, NM_133432.3, NM_133437.4); c.4246C>T (NM_001267550.1); short protein forms R1416C, R1370C.
Identifiers: ClinVar variation 47040 (VCV000047040.52), dbSNP rs72647875, ClinGen allele CA283365.